The following is an entry in ClinVar:

ClinVar aggregate classification (germline): Uncertain significance (1 of 4 stars; one submission).

Conditions:
Epilepsy, familial adult myoclonic, 5 (EPEO5). Also called: CORTICAL MYOCLONIC TREMOR WITH EPILEPSY, FAMILIAL, 5. Identifiers: Orphanet 86814, MedGen C3809374, MONDO:0014167, OMIM 615400.

gnomAD v4.1: 1 of 1,614,156 alleles (0.000062%); highest among the groups gnomAD compares: Non-Finnish European, 0.000085%; no homozygotes.

Submission:

Labcorp Genetics (formerly Invitae), Labcorp
Classification: Uncertain significance for Epilepsy, familial adult myoclonic, 5. Last evaluated: 2025-12-15. Review status: criteria provided, single submitter. Criteria: Invitae Variant Classification Sherloc (09022015). Collection method: clinical testing. Allele origin: germline.
Comment: This sequence change replaces glycine, which is neutral and non-polar, with serine, which is neutral and polar, at codon 484 of the CNTN2 protein (p.Gly484Ser). This variant is not present in population databases (gnomAD no frequency). This variant has not been reported in the literature in individuals affected with CNTN2-related conditions. An algorithm developed to predict the effect of missense changes on protein structure and function (PolyPhen-2) suggests that this variant is likely to be disruptive. In summary, the available evidence is currently insufficient to determine the role of this variant in disease. Therefore, it has been classified as a Variant of Uncertain Significance.

NM_005076.5(CNTN2):c.1450G>A (p.Gly484Ser)

Gene: CNTN2 (contactin 2; plus strand). Cytogenetic location: 1q32.1.
Variant type: single nucleotide variant.
Coding change: c.1450G>A on transcript NM_005076.5 (MANE Select); coding-DNA position 1450, G replaced by A.
Protein change: p.Gly484Ser; replaces glycine 484 with serine.
Molecular consequence: missense variant. On other transcripts: non-coding transcript variant (1).
Genome position (GRCh38, 1-based): chr1:205,064,681, G>A. VCF-style: chr1-205064681-G-A. GRCh37 (hg19) VCF-style: chr1-205033809-G-A.
Other names: c.1450G>A, p.Gly484Ser (NM_001346083.2); short protein forms G484S.
Identifiers: ClinVar variation 4804839 (VCV004804839.1).